The following is an entry in ClinVar:

NM_000260.4(MYO7A):c.496del (p.Glu166fs)

Gene: MYO7A (myosin VIIA; plus strand). Cytogenetic location: 11q13.5.
Variant type: Deletion.
Coding change: c.496del on transcript NM_000260.4 (MANE Select); coding-DNA position 496, one base deleted (G; older notation c.496delG).
Protein change: p.Glu166fs; shifts the reading frame from glutamic acid 166.
Molecular consequence: frameshift variant.
Genome position (GRCh38, 1-based): chr11:77,156,685, G deleted; the last of 2 consecutive G bases (chr11:77,156,684-77,156,685); deleting either gives the same sequence. VCF-style (leftmost placement, unchanged base first): chr11-77156683-CG-C. GRCh37 (hg19) VCF-style: chr11-76867729-CG-C.
Other names: p.Glu166ArgfsTer5; c.496del, p.Glu166fs (NM_001127180.2); c.463del, p.Glu155fs (NM_001369365.1); c.496del (NM_000260.3); short protein forms E166fs, E155fs.
Identifiers: ClinVar variation 43266 (VCV000043266.21), dbSNP rs111033448, ClinGen allele CA278677.

ClinVar aggregate classification (germline): Pathogenic/Likely pathogenic. Review status: criteria provided, multiple submitters, no conflicts (2 of 4 stars). 8 submissions from 8 submitters: Pathogenic (6); Likely pathogenic (1). 1 of the submissions does not count toward it. Last evaluated 2026-01-27.

Conditions:
MYO7A-related disorder. Also called: MYO7A-related disorders.
Rare genetic deafness. Identifiers: Orphanet 96210, MedGen C5680250.
Usher syndrome type 1 (USH1). Also called: RETINITIS PIGMENTOSA AND CONGENITAL DEAFNESS. Identifiers: Orphanet 231169, Orphanet 886, MedGen C1568247, MONDO:0010168, OMIM 276900.
Autosomal recessive nonsyndromic hearing loss 2. Also called: DEAFNESS, AUTOSOMAL RECESSIVE 2; NEUROSENSORY NONSYNDROMIC RECESSIVE DEAFNESS 2. Identifiers: Orphanet 90636, MedGen C1838701, MONDO:0010807, OMIM 600060.
Hearing loss, autosomal recessive. Also called: Deafness, autosomal recessive; Rare autosomal recessive non-syndromic sensorineural deafness type DFNB; Autosomal recessive nonsyndromic deafness; Nonsyndromic Hearing Loss, Recessive. Identifiers: Orphanet 90635, Orphanet 90636, MedGen C1846647, MONDO:0019588, OMIM 607197.

Submissions (8):

GeneDx
Classification: Likely pathogenic. Last evaluated: 2026-01-27. Review status: criteria provided, single submitter. Criteria: GeneDx Variant Classification Process June 2021. Collection method: clinical testing. Allele origin: germline.
Comment: Frameshift variant predicted to result in protein truncation or nonsense mediated decay in a gene for which loss of function is a known mechanism of disease; This variant is associated with the following publications: (PMID: 34148116, 21873662, 23770805, 39013239, 18181211, 36460718, 31964843)

Victorian Clinical Genetics Services, Murdoch Childrens Research Institute
Classification: Pathogenic for Usher syndrome type 1. Last evaluated: 2024-09-20. Review status: criteria provided, single submitter. Criteria: ACMG Guidelines, 2015. Collection method: clinical testing. Allele origin: germline. Inheritance: Autosomal recessive inheritance. Affected: yes.
Comment: Based on the classification scheme VCGS_Germline_v1.3.4, this variant is classified as Pathogenic. Following criteria are met: 0102 - Loss of function is a known mechanism of disease in this gene and is associated with deafness autosomal dominant 11 (MIM#601317), deafness autosomal recessive 2 (MIM#600060) and Usher syndrome, type 1B (MIM#276900). In addition, dominant negative is the suggested mechanism for missense variants in autosomal dominant inheritance (OMIM, PMID: 23383098). (I) 0108 - This gene is associated with both recessive and dominant disease. While the genotype-phenotype correlation is unestablished, missense variants causing autosomal dominant inheritance are rare and are not localised to a specific protein region (OMIM). (I) 0201 - Variant is predicted to cause nonsense-mediated decay (NMD) and loss of protein (premature termination codon is located at least 54 nucleotides upstream of the final exon-exon junction). (SP) 0251 - This variant is heterozygous. (I) 0304 - Variant is present in gnomAD (v2) <0.01 (6 heterozygotes, 0 homozygotes). (SP) 0701 - Other NMD-predicted variants comparable to the one identified in this case have very strong previous evidence for pathogenicity (DECIPHER). (SP) 0801 - This variant has strong previous evidence of pathogenicity in unrelated individuals. This variant has been reported several times as pathogenic, and observed in homozygous individuals and a compound heterozygous individual with Usher syndrome (ClinVar, PMID: 34148116). (SP) 1201 - Heterozygous variant detected in trans with a second pathogenic heterozygous variant (NM_000260.3(MYO7A):c.5899C>T; p.(Arg1967*)) in a recessive disease. (I) Legend: (SP) - Supporting pathogenic, (I) - Information, (SB) - Supporting benign

Labcorp Genetics (formerly Invitae), Labcorp
Classification: Pathogenic. Last evaluated: 2024-04-10. Review status: criteria provided, single submitter. Criteria: Invitae Variant Classification Sherloc (09022015). Collection method: clinical testing. Allele origin: germline.
Comment: This sequence change creates a premature translational stop signal (p.Glu166Argfs*5) in the MYO7A gene. It is expected to result in an absent or disrupted protein product. Loss-of-function variants in MYO7A are known to be pathogenic (PMID: 8900236, 25404053). This variant is present in population databases (rs781932639, gnomAD 0.02%). This premature translational stop signal has been observed in individual(s) with clinical features of Usher syndrome (PMID: 21873662, 23770805). ClinVar contains an entry for this variant (Variation ID: 43266). For these reasons, this variant has been classified as Pathogenic.

3billion
Classification: Pathogenic for Usher syndrome type 1. Last evaluated: 2024-02-16. Review status: criteria provided, single submitter. Criteria: ACMG Guidelines, 2015. Collection method: clinical testing. Allele origin: germline. Affected: yes.
Comment: The variant is observed at an extremely low frequency in the gnomAD v2.1.1 dataset (total allele frequency: 0.002%). Predicted Consequence/Location: Frameshift: predicted to result in a loss or disruption of normal protein function through nonsense-mediated decay (NMD) or protein truncation. Multiple pathogenic variants are reported downstream of the variant. The variant has been reported at least twice as pathogenic without evidence for the classification (ClinVar ID: VCV000043266 /PMID: 18181211). Therefore, this variant is classified as Pathogenic according to the recommendation of ACMG/AMP guideline.

Foundation for Research in Genetics and Endocrinology, FRIGE's Institute of Human Genetics
Classification: Pathogenic for Autosomal recessive nonsyndromic hearing loss 2. Last evaluated: 2021-07-03. Review status: criteria provided, single submitter. Criteria: ACMG Guidelines, 2015. Collection method: clinical testing. Allele origin: germline. Inheritance: Autosomal recessive inheritance. Affected: yes. Observed: 1 homozygote.
Comment: A homozygous single base pair deletion in exon 6 of the MYO7A gene that results in frameshift and premature truncation of the protein 5 amino acids downstream to codon 166. The observed variant c.496del (p.Glu166ArgfsTer5) has not been reported in the 1000 genomes and has a MAF of 0.0007% in the gnomAD databases. The in silico prediction of the variant are damaging by MutationTaster2. The reference codon is conserved across species. In summary, the variant meets our criteria to be classified as a pathogenic variant.

Blueprint Genetics
Classification: Pathogenic for MYO7A-related disorders. Last evaluated: 2018-07-04. Review status: criteria provided, single submitter. Criteria: ACMG Guidelines, 2015. Collection method: clinical testing. Allele origin: germline. Affected: yes. Observed: 2 variant alleles.

Laboratory for Molecular Medicine, Mass General Brigham Personalized Medicine
Classification: Pathogenic for Rare genetic deafness. Last evaluated: 2010-07-07. Review status: criteria provided, single submitter. Criteria: LMM Criteria. Collection method: clinical testing. Allele origin: germline. Observed: 4 variant alleles.
Comment: The Glu166fs variant has been identified in a homozygous state in 3 consanguineo us Pakistani families with the clinical features of Usher syndrome type 1 (Riazu ddin 2008). This variant is predicted to cause a frameshift, which alters the pr otein's amino acid sequence beginning at codon 166 and leads to a premature stop codon 4 codons downstream. This alteration is then predicted to lead to a trunc ated or absent protein. In summary, this variant meets our criteria to be classi fied as pathogenic.

University of Washington Center for Mendelian Genomics, University of Washington
Classification: Likely pathogenic for non-syndromic autosomal recessive hearing loss. Review status: no assertion criteria provided. Collection method: research. Allele origin: inherited. Affected: yes. Not counted in ClinVar's aggregate classification.

Literature cited by the submitters: PubMed 23383098 (cited by Victorian Clinical Genetics Services, Murdoch Childrens Research Institute); PubMed 34148116 (cited by Victorian Clinical Genetics Services, Murdoch Childrens Research Institute); PubMed 8900236 (cited by Labcorp Genetics (formerly Invitae), Labcorp); PubMed 25404053 (cited by Labcorp Genetics (formerly Invitae), Labcorp); PubMed 21873662 (cited by Labcorp Genetics (formerly Invitae), Labcorp); PubMed 23770805 (cited by Labcorp Genetics (formerly Invitae), Labcorp); PubMed 18181211 (cited by 3billion and Laboratory for Molecular Medicine, Mass General Brigham Personalized Medicine); PubMed 30303587 (cited by University of Washington Center for Mendelian Genomics, University of Washington).